The following is an entry in ClinVar:

ClinVar aggregate classification (germline): Uncertain significance. Review status: criteria provided, multiple submitters, no conflicts (2 of 4 stars). 3 submissions from 3 submitters: Uncertain significance (3). Last evaluated 2026-02-01.

Allele frequency attached by ClinVar (database versions not stated): gnomAD exomes 0.00002 and 0.00012; gnomAD 0.00003; TOPMed 0.00004; ExAC 0.00010.
gnomAD v4.1: 49 of 1,614,234 alleles (0.003%); highest among the groups gnomAD compares: East Asian, 0.058%; no homozygotes.

Submissions (3):

CeGaT Center for Human Genetics Tuebingen
Classification: Uncertain significance. Last evaluated: 2026-02-01. Review status: criteria provided, single submitter. Criteria: CeGaT Center For Human Genetics Tuebingen Variant Classification Criteria Version 2. Collection method: clinical testing. Allele origin: germline. Affected: yes. Observed: 1 variant allele.
Comment: CEP250: PM2:Supporting, BP4

Blueprint Genetics
Classification: Uncertain significance. Last evaluated: 2024-11-25. Review status: criteria provided, single submitter. Criteria: ACMG Guidelines, 2015. Collection method: clinical testing. Allele origin: germline.

Labcorp Genetics (formerly Invitae), Labcorp
Classification: Uncertain significance. Last evaluated: 2022-09-06. Review status: criteria provided, single submitter. Criteria: Invitae Variant Classification Sherloc (09022015). Collection method: clinical testing. Allele origin: germline.
Comment: This sequence change replaces glutamic acid, which is acidic and polar, with lysine, which is basic and polar, at codon 1627 of the CEP250 protein (p.Glu1627Lys). This variant is present in population databases (rs771919399, gnomAD 0.1%). This variant has not been reported in the literature in individuals affected with CEP250-related conditions. ClinVar contains an entry for this variant (Variation ID: 965041). Algorithms developed to predict the effect of missense changes on protein structure and function are either unavailable or do not agree on the potential impact of this missense change (SIFT: "Not Available"; PolyPhen-2: "Possibly Damaging"; Align-GVGD: "Not Available"). In summary, the available evidence is currently insufficient to determine the role of this variant in disease. Therefore, it has been classified as a Variant of Uncertain Significance.

NM_007186.6(CEP250):c.4879G>A (p.Glu1627Lys)

Gene: CEP250 (centrosomal protein 250; plus strand). Cytogenetic location: 20q11.22.
Variant type: single nucleotide variant.
Coding change: c.4879G>A on transcript NM_007186.6 (MANE Select); coding-DNA position 4879, G replaced by A.
Protein change: p.Glu1627Lys; replaces glutamic acid 1627 with lysine.
Molecular consequence: missense variant.
Genome position (GRCh38, 1-based): chr20:35,503,248, G>A. VCF-style: chr20-35503248-G-A. GRCh37 (hg19) VCF-style: chr20-34091076-G-A.
Other names: c.2983G>A, p.Glu995Lys (NM_001318219.1); short protein forms E1627K, E995K.
Identifiers: ClinVar variation 965041 (VCV000965041.10), dbSNP rs771919399, ClinGen allele CA9833779.
Genomic context (GRCh38, chr20:35,503,248, plus strand): 5'-CAAAGCAGCCAGATCCATGACCTGGAGAGCCACAGCACCGTTCTGGCAAGAGAGCTGCAG[G>A]AGAGGGACCAGGAGGTGAAGTCTCAGCGAGAACAGATCGAGGAGCTGCAGAGGCAGAAAG-3'
Protein context (NP_009117.2, residues 1617-1637): HSTVLARELQ[Glu1627Lys]RDQEVKSQRE